The following is an entry in ClinVar:

ClinVar aggregate classification (germline): Likely benign. Review status: criteria provided, multiple submitters, no conflicts (2 of 4 stars). 4 submissions from 4 submitters: Likely benign (4). Last evaluated 2026-01-27.

Allele frequency attached by ClinVar (database versions not stated): ExAC below 0.00001; gnomAD exomes 0.00005; gnomAD 0.00010; 1000 Genomes Project 30x 0.00016; 1000 Genomes Project 0.00020; TOPMed 0.00025.
gnomAD v4.1: 65 of 1,550,536 alleles (0.0042%); highest among the groups gnomAD compares: Admixed American, 0.045%; no homozygotes.

Submissions (4):

Labcorp Genetics (formerly Invitae), Labcorp
Classification: Likely benign. Last evaluated: 2026-01-27. Review status: criteria provided, single submitter. Criteria: Invitae Variant Classification Sherloc (09022015). Collection method: clinical testing. Allele origin: germline.

ARUP Laboratories, Molecular Genetics and Genomics, ARUP Laboratories
Classification: Likely benign. Last evaluated: 2025-06-10. Review status: criteria provided, single submitter. Criteria: ARUP Molecular Germline Variant Investigation Process 2024. Collection method: clinical testing. Allele origin: germline.

Mayo Clinic Laboratories, Mayo Clinic
Classification: Likely benign. Last evaluated: 2025-03-04. Review status: criteria provided, single submitter. Criteria: ACMG Guidelines, 2015. Collection method: clinical testing. Allele origin: germline. Observed: 3 variant alleles.
Comment: BP4, BP7, PM2_supporting

Blueprint Genetics
Classification: Likely benign. Last evaluated: 2022-09-09. Review status: criteria provided, single submitter. Criteria: ACMG Guidelines, 2015. Collection method: clinical testing. Allele origin: germline.

NM_001142864.4(PIEZO1):c.6315C>G (p.Leu2105=)

Gene: PIEZO1 (piezo type mechanosensitive ion channel component 1 (Er blood group); minus strand). Cytogenetic location: 16q24.3.
Variant type: single nucleotide variant.
Coding change: c.6315C>G on transcript NM_001142864.4 (MANE Select); coding-DNA position 6315, C replaced by G.
Protein change: p.Leu2105=; no amino-acid change (leucine 2105 retained).
Molecular consequence: synonymous variant.
Genome position (GRCh38, 1-based): chr16:88,719,810, G>C on the plus strand (C>G on the coding strand, the complement: PIEZO1 is on the minus strand). VCF-style: chr16-88719810-G-C. GRCh37 (hg19) VCF-style: chr16-88786218-G-C.
Other names: p.Leu2105=.
Identifiers: ClinVar variation 738965 (VCV000738965.13), dbSNP rs564995953, ClinGen allele CA8231659.